The following is an entry in ClinVar:

ClinVar aggregate classification (germline): Pathogenic. Review status: criteria provided, multiple submitters, no conflicts (2 of 4 stars). 2 submissions from 2 submitters: Pathogenic (2). Last evaluated 2026-09-08.

Conditions:
Fabry disease. Also called: ALPHA-GALACTOSIDASE A DEFICIENCY; ANDERSON-FABRY DISEASE; CERAMIDE TRIHEXOSIDASE DEFICIENCY; GLA DEFICIENCY; HEREDITARY DYSTOPIC LIPIDOSIS; Angiokeratoma corporis diffusum. Identifiers: Orphanet 324, MedGen C0002986, MONDO:0010526, OMIM 301500, HP:0001071. Disease mechanism: Fabry disease is due to inactivating mutations in the X-linked GLA gene resulting in deficiency of the enzyme Alpha Galactosidase-A., loss of function.

Submissions (2):

Genomenon, Inc
Classification: Pathogenic for Fabry disease. Last evaluated: 2026-09-08. Review status: criteria provided, single submitter. Criteria: Genomenon Sequence Variant Interpretation Standards - Updated. Collection method: curation. Allele origin: germline. Affected: yes.
Comment: GLA c.1000-1G>C is a canonical splice variant affecting the acceptor splice site of intron 6. It is predicted to affect mRNA splicing, leading to a deleterious effect on the GLA protein. This variant has been observed in at least one proband with clinical features consistent with Fabry disease (PMID:10666480). It is absent or not present at a significant frequency in gnomAD. In conclusion, we classify GLA c.1000-1G>C as a pathogenic variant.

Labcorp Genetics (formerly Invitae), Labcorp
Classification: Pathogenic for Fabry disease. Last evaluated: 2025-08-04. Review status: criteria provided, single submitter. Criteria: Invitae Variant Classification Sherloc (09022015). Collection method: clinical testing. Allele origin: germline.
Comment: This sequence change affects an acceptor splice site in intron 6 of the GLA gene. While this variant is not anticipated to result in nonsense mediated decay, it likely alters RNA splicing and results in a disrupted protein product. This variant is not present in population databases (gnomAD no frequency). Disruption of this splice site has been observed in individuals with Fabry disease (PMID: 10200059, 16595074, 18023222, 20022777). Variants that disrupt the consensus splice site are a relatively common cause of aberrant splicing (PMID: 17576681, 9536098). Algorithms developed to predict the effect of sequence changes on RNA splicing suggest that this variant may disrupt the consensus splice site. For these reasons, this variant has been classified as Pathogenic.

Literature cited by the submitters: PubMed 10666480 (cited by Genomenon, Inc); PubMed 10200059 (cited by Labcorp Genetics (formerly Invitae), Labcorp); PubMed 16595074 (cited by Labcorp Genetics (formerly Invitae), Labcorp); PubMed 18023222 (cited by Labcorp Genetics (formerly Invitae), Labcorp); PubMed 20022777 (cited by Labcorp Genetics (formerly Invitae), Labcorp); PubMed 17576681 (cited by Labcorp Genetics (formerly Invitae), Labcorp); PubMed 9536098 (cited by Labcorp Genetics (formerly Invitae), Labcorp).

NM_000169.3(GLA):c.1000-1G>C

Genes: GLA (galactosidase alpha; minus strand), RPL36A-HNRNPH2 (RPL36A-HNRNPH2 readthrough; plus strand). Cytogenetic location: Xq22.1.
Variant type: single nucleotide variant.
Coding change: c.1000-1G>C on transcript NM_000169.3 (MANE Select); the canonical splice acceptor site of the intron before coding-DNA position 1000, G replaced by C.
Molecular consequence: splice acceptor variant. On other transcripts: intron variant (2).
Genome position (GRCh38, 1-based): chrX:101,398,100, C>G on the plus strand (G>C on the coding strand, the complement: GLA is on the minus strand). VCF-style: chrX-101398100-C-G. GRCh37 (hg19) VCF-style: chrX-100653088-C-G.
Other names: c.300+2643C>G (NM_001199973.2); c.177+6278C>G (NM_001199974.2); c.1123-1G>C (NM_001406747.1).
Identifiers: ClinVar variation 4087232 (VCV004087232.3).
Genomic context (GRCh38, chrX:101,398,100, plus strand): 5'-CATAGCTACAGCCCAGGCTAAGCCTGAGAGAGGTCGTTCCCACACTTCAAAGTTGTCTCC[C>G]TGAAAAACCAAGAAAGTGTGGTTGCTTAGCAACTAGTGATAAGTGGCCCTGTTAGTTTGG-3'